The following is an entry in ClinVar:

ClinVar aggregate classification (germline): Likely benign (1 of 4 stars; one submission).

gnomAD v4.1: 17 of 1,612,828 alleles (0.0011%); highest among the groups gnomAD compares: African/African-American, 0.0027%; no homozygotes.

Submission:

CeGaT Center for Human Genetics Tuebingen
Classification: Likely benign. Last evaluated: 2025-02-01. Review status: criteria provided, single submitter. Criteria: CeGaT Center For Human Genetics Tuebingen Variant Classification Criteria Version 2. Collection method: clinical testing. Allele origin: germline. Affected: yes. Observed: 1 variant allele.
Comment: KRT6B: BP4, BP7

NM_005555.4(KRT6B):c.495G>A (p.Glu165=)

Gene: KRT6B (keratin 6B; minus strand). Cytogenetic location: 12q13.13.
Variant type: single nucleotide variant.
Coding change: c.495G>A on transcript NM_005555.4 (MANE Select); coding-DNA position 495, G replaced by A.
Protein change: p.Glu165=; no amino-acid change (glutamic acid 165 retained).
Molecular consequence: synonymous variant.
Genome position (GRCh38, 1-based): chr12:52,451,584, C>T on the plus strand (G>A on the coding strand, the complement: KRT6B is on the minus strand). VCF-style: chr12-52451584-C-T. GRCh37 (hg19) VCF-style: chr12-52845368-C-T.
Identifiers: ClinVar variation 3771884 (VCV003771884.13).
Genomic context (GRCh38, chr12:52,451,584, plus strand): 5'-ATGGCACTGGCTCACCTTGTCGATGAAGGAGGCAAACTTGTTGTTGAGGGTCTTGATCTG[C>T]TCACGCTCCTCGGCCCGCACCCGCTGGATGGCGGGGTCAATTTGCAGGTTGAGGGGAGTC-3'
Protein context (NP_005546.2, residues 155-175): AIQRVRAEER[Glu165=]QIKTLNNKFA